The following is an entry in ClinVar:

ClinVar aggregate classification (germline): Uncertain significance (1 of 4 stars; one submission).

gnomAD v4.1: 2 of 1,596,452 alleles (0.00013%); highest among the groups gnomAD compares: Non-Finnish European, 0.00017%; no homozygotes.

Submission:

Women's Health and Genetics/Laboratory Corporation of America, LabCorp
Classification: Uncertain significance. Last evaluated: 2025-01-24. Review status: criteria provided, single submitter. Criteria: LabCorp Variant Classification Summary - May 2015. Collection method: clinical testing. Allele origin: germline.
Comment: Variant summary: SLC12A2 c.1781G>A (p.Ser594Asn) results in a conservative amino acid change located in the amino acid permease domain (IPR004842) of the encoded protein sequence. Four of five in-silico tools predict a damaging effect of the variant on protein function. The variant was absent in 249632 control chromosomes. The available data on variant occurrences in the general population are insufficient to allow any conclusion about variant significance. To our knowledge, no occurrence of c.1781G>A in individuals affected with SLC12A2-Related Disorders and no experimental evidence demonstrating its impact on protein function have been reported. No submitters have cited clinical-significance assessments for this variant to ClinVar. Based on the evidence outlined above, the variant was classified as uncertain significance.

NM_001046.3(SLC12A2):c.1781G>A (p.Ser594Asn)

Gene: SLC12A2 (solute carrier family 12 member 2; plus strand). Cytogenetic location: 5q23.3.
Variant type: single nucleotide variant.
Coding change: c.1781G>A on transcript NM_001046.3 (MANE Select); coding-DNA position 1781, G replaced by A.
Protein change: p.Ser594Asn; replaces serine 594 with asparagine.
Molecular consequence: missense variant. On other transcripts: non-coding transcript variant (1).
Genome position (GRCh38, 1-based): chr5:128,147,629, G>A. VCF-style: chr5-128147629-G-A. GRCh37 (hg19) VCF-style: chr5-127483321-G-A.
Other names: c.1781G>A, p.Ser594Asn (NM_001256461.2); short protein forms S594N.
Identifiers: ClinVar variation 3769438 (VCV003769438.2).